The following is an entry in ClinVar:

ClinVar aggregate classification (germline): Uncertain significance (1 of 4 stars; one submission).

Submission:

Labcorp Genetics (formerly Invitae), Labcorp
Classification: Uncertain significance. Last evaluated: 2025-03-31. Review status: criteria provided, single submitter. Criteria: Invitae Variant Classification Sherloc (09022015). Collection method: clinical testing. Allele origin: germline.
Comment: This sequence change replaces alanine, which is neutral and non-polar, with glycine, which is neutral and non-polar, at codon 124 of the SLC27A5 protein (p.Ala124Gly). This variant is not present in population databases (gnomAD no frequency). This variant has not been reported in the literature in individuals affected with SLC27A5-related conditions. ClinVar contains an entry for this variant (Variation ID: 2848333). An algorithm developed to predict the effect of missense changes on protein structure and function (PolyPhen-2) suggests that this variant is likely to be disruptive. In summary, the available evidence is currently insufficient to determine the role of this variant in disease. Therefore, it has been classified as a Variant of Uncertain Significance.

NM_012254.3(SLC27A5):c.371C>G (p.Ala124Gly)

Gene: SLC27A5 (solute carrier family 27 member 5; minus strand). Cytogenetic location: 19q13.43.
Variant type: single nucleotide variant.
Coding change: c.371C>G on transcript NM_012254.3 (MANE Select); coding-DNA position 371, C replaced by G.
Protein change: p.Ala124Gly; replaces alanine 124 with glycine.
Molecular consequence: missense variant.
Genome position (GRCh38, 1-based): chr19:58,511,585, G>C on the plus strand (C>G on the coding strand, the complement: SLC27A5 is on the minus strand). VCF-style: chr19-58511585-G-C. GRCh37 (hg19) VCF-style: chr19-59022952-G-C.
Other names: c.371C>G, p.Ala124Gly (NM_001321196.2); short protein forms A124G.
Identifiers: ClinVar variation 2848333 (VCV002848333.3), dbSNP rs2122532874, ClinGen allele CA407956014.
Genomic context (GRCh38, chr19:58,511,585, plus strand): 5'-GTGACTGAGCCGGCCCCAGGCCCCGTCCACACCAAGAGTGCCCTGCCAGGCTGCGCTCGT[G>C]CTCGCCGCTCGAAGGCATCTACAAAGGTGTCAGGCGGCTGCCGGCTCAAGCATCCCCTGA-3'
Protein context (NP_036386.1, residues 114-134): DTFVDAFERR[Ala124Gly]RAQPGRALLV